The following is an entry in ClinVar:

ClinVar aggregate classification (germline): Uncertain significance (1 of 4 stars; one submission).

Conditions:
Early Myoclonic Encephalopathy. Identifiers: MedGen C0270855.

gnomAD v4.1: 4 of 1,613,906 alleles (0.00025%); highest among the groups gnomAD compares: Admixed American, 0.0017%; no homozygotes.

Submission:

Labcorp Genetics (formerly Invitae), Labcorp
Classification: Uncertain significance for Early Myoclonic Encephalopathy. Last evaluated: 2025-11-25. Review status: criteria provided, single submitter. Criteria: Invitae Variant Classification Sherloc (09022015). Collection method: clinical testing. Allele origin: germline.
Comment: This sequence change replaces proline, which is neutral and non-polar, with leucine, which is neutral and non-polar, at codon 927 of the JMJD1C protein (p.Pro927Leu). This variant is present in population databases (no rsID available, gnomAD 0.003%). This variant has not been reported in the literature in individuals affected with JMJD1C-related conditions. ClinVar contains an entry for this variant (Variation ID: 1420844). Invitae Evidence Modeling of protein sequence and biophysical properties (such as structural, functional, and spatial information, amino acid conservation, physicochemical variation, residue mobility, and thermodynamic stability) indicates that this missense variant is expected to disrupt JMJD1C protein function with a positive predictive value of 80%. In summary, the available evidence is currently insufficient to determine the role of this variant in disease. Therefore, it has been classified as a Variant of Uncertain Significance.

NM_032776.3(JMJD1C):c.2780C>T (p.Pro927Leu)

Gene: JMJD1C (jumonji domain containing 1C; minus strand). Cytogenetic location: 10q21.3.
Variant type: single nucleotide variant.
Coding change: c.2780C>T on transcript NM_032776.3 (MANE Select); coding-DNA position 2780, C replaced by T.
Protein change: p.Pro927Leu; replaces proline 927 with leucine.
Molecular consequence: missense variant. On other transcripts: non-coding transcript variant (1).
Genome position (GRCh38, 1-based): chr10:63,209,150, G>A on the plus strand (C>T on the coding strand, the complement: JMJD1C is on the minus strand). VCF-style: chr10-63209150-G-A. GRCh37 (hg19) VCF-style: chr10-64968910-G-A.
Other names: c.2123C>T, p.Pro708Leu (NM_001322254.2, NM_001322258.2); c.2234C>T, p.Pro745Leu (NM_001282948.2, NM_001318154.2); c.1916C>T, p.Pro639Leu (NM_001318153.2); c.2666C>T, p.Pro889Leu (NM_001322252.2); short protein forms P639L, P927L, P889L, P708L, P745L.
Identifiers: ClinVar variation 1420844 (VCV001420844.8), dbSNP rs1297914375, ClinGen allele CA377043622.